The following is an entry in ClinVar:

NM_001844.5(COL2A1):c.2385_2393del (p.Pro796_Gly798del)

Gene: COL2A1 (collagen type II alpha 1 chain; minus strand). Cytogenetic location: 12q13.11.
Variant type: Deletion.
Coding change: c.2385_2393del on transcript NM_001844.5 (MANE Select); coding-DNA positions 2385 to 2393, 9 bases deleted (CCCAGCTGG; older notation c.2385_2393delCCCAGCTGG).
Protein change: p.Pro796_Gly798del.
Molecular consequence: inframe deletion.
Genome position (GRCh38, 1-based): chr12:47,981,792-47,981,800, CCAGCTGGG deleted on the plus strand (CCCAGCTGG on the coding strand, the reverse complement: COL2A1 is on the minus strand); deleting any 9 consecutive bases within chr12:47,981,792-47,981,804 gives the same sequence; the c. name uses the placement nearest the transcript's 3' end. VCF-style (leftmost placement, unchanged base first): chr12-47981791-ACCAGCTGGG-A. GRCh37 (hg19) VCF-style: chr12-48375574-ACCAGCTGGG-A.
Other names: c.2178_2186del, p.Pro727_Gly729del (NM_033150.3).
Identifiers: ClinVar variation 5018518 (VCV005018518.1).

ClinVar aggregate classification (germline): Uncertain significance (1 of 4 stars; one submission).

Conditions:
Achondrogenesis type II (ACG2). Also called: ACHONDROGENESIS, LANGER-SALDINO TYPE; CHONDROGENESIS IMPERFECTA. Identifiers: Orphanet 932, Orphanet 93296, MedGen C0220685, MONDO:0008702, OMIM 200610.
Avascular necrosis of femoral head, primary, 1 (ANFH1). Also called: Avascular necrosis of femoral head, primary. Identifiers: Orphanet 86820, MedGen C4551562, MONDO:0054550, OMIM 608805.
Spondyloperipheral dysplasia. Also called: SPONDYLOPERIPHERAL DYSPLASIA WITH SHORT ULNA; Spondyloperipheral dysplasia-short ulna syndrome. Identifiers: Orphanet 1856, MedGen C0796173, MONDO:0010078, OMIM 271700.
Stickler syndrome type 1 (STL1). Also called: ARTHROOPHTHALMOPATHY, HEREDITARY PROGRESSIVE; STICKLER SYNDROME, MEMBRANOUS VITREOUS TYPE; STICKLER SYNDROME, VITREOUS TYPE 1; COL2A1-Related Stickler Syndrome. Identifiers: Orphanet 828, Orphanet 90653, MedGen C2020284, MONDO:0007160, OMIM 108300.
Platyspondylic dysplasia, Torrance type (PLSDT). Identifiers: Orphanet 85166, MedGen C1835437, MONDO:0007895, OMIM 151210.
Legg-Calve-Perthes disease. Also called: PERTHES DISEASE; Osteochondritis deformans; Coxa plana; Avascular necrosis of the capital femoral epiphysis. Identifiers: Orphanet 2380, MedGen C1442965, MONDO:0007885, OMIM 150600, HP:0005743.
Kniest dysplasia. Identifiers: Orphanet 485, MedGen C0265279, MONDO:0007987, OMIM 156550.
Spondyloepiphyseal dysplasia congenita (SEDC). Also called: SED CONGENITA; SPONDYLOEPIPHYSEAL DYSPLASIA, CONGENITAL TYPE. Identifiers: Orphanet 94068, MedGen C2745959, MONDO:0008471, OMIM 183900.
Spondyloepiphyseal dysplasia with metatarsal shortening. Also called: Pseudorheumatoid dysplasia progressive, with hypoplastic toes; CZECH DYSPLASIA, METATARSAL TYPE; SPONDYLOEPIPHYSEAL DYSPLASIA WITH PRECOCIOUS OSTEOARTHRITIS. Identifiers: Orphanet 137678, MedGen C1836683, MONDO:0012206, OMIM 609162.
Vitreoretinopathy with phalangeal epiphyseal dysplasia (VPED). Identifiers: MedGen C1852989, MONDO:0031001, OMIM 619248.
Multiple epiphyseal dysplasia, Beighton type. Identifiers: Orphanet 166011, MedGen C1851536, MONDO:0007562, OMIM 132450.
Namaqualand hip dysplasia (OSCDP). Also called: Mild spondyloepiphyseal dysplasia due to COL2A1 mutation with early-onset osteoarthritis. Identifiers: Orphanet 93279, MedGen C0432214, MONDO:0011496, OMIM 604864.
Spondyloepimetaphyseal dysplasia, Strudwick type (SEMDSTWK). Also called: DAPPLED METAPHYSIS SYNDROME; STRUDWICK SYNDROME. Identifiers: Orphanet 93346, MedGen C0700635, MONDO:0008476, OMIM 184250.
Spondylometaphyseal dysplasia, Schmidt type (SMDALG). Also called: SPONDYLOMETAPHYSEAL DYSPLASIA, ALGERIAN TYPE; SPONDYLOMETAPHYSEAL DYSPLASIA WITH SEVERE GENU VALGUM. Identifiers: Orphanet 93316, MedGen C1866688, MONDO:0008478, OMIM 184253.
Stickler syndrome, type I, nonsyndromic ocular. Also called: STICKLER SYNDROME, TYPE I, PREDOMINANTLY OCULAR; STICKLER SYNDROME, ATYPICAL. Identifiers: MedGen C1836080, MONDO:0012287, OMIM 609508.
Spondyloepiphyseal dysplasia, Stanescu type. Also called: SED, STANESCU TYPE; SPONDYLOEPIMETAPHYSEAL DYSPLASIA, STANESCU TYPE. Identifiers: Orphanet 459051, MedGen C4225273, MONDO:0014701, OMIM 616583.

Submission:

Juno Genomics, Hangzhou Juno Genomics, Inc
Classification: Uncertain significance for Spondyloepiphyseal dysplasia congenita; Spondyloepiphyseal dysplasia, Stanescu type; Spondyloperipheral dysplasia; Stickler syndrome type 1; Stickler syndrome, type I, nonsyndromic ocular; Spondylometaphyseal dysplasia, Schmidt type; Multiple epiphyseal dysplasia, Beighton type; Vitreoretinopathy with phalangeal epiphyseal dysplasia; Achondrogenesis type II; Avascular necrosis of femoral head, primary, 1; Spondyloepimetaphyseal dysplasia, Strudwick type; Spondyloepiphyseal dysplasia with metatarsal shortening; Kniest dysplasia; Legg-Calve-Perthes disease; Namaqualand hip dysplasia; Platyspondylic dysplasia, Torrance type. Review status: criteria provided, single submitter. Criteria: ACMG Guidelines, 2015. Collection method: clinical testing. Allele origin: germline. Affected: yes.
Comment: Absent from controls (or at extremely low frequency if recessive) in Genome Aggregation Database.;Protein length changes due to in-frame deletions/insertions in a non-repeat region or stop-loss variants.